The following is an entry in ClinVar:

ClinVar aggregate classification (germline): Benign. Review status: criteria provided, multiple submitters, no conflicts (2 of 4 stars). 6 submissions from 5 submitters: Benign (6). Last evaluated 2026-02-04.

Conditions:
Congenital diarrhea 6. Identifiers: Orphanet 314373, MedGen C3553270, MONDO:0013825, OMIM 614616.
Intestinal obstruction in the newborn due to guanylate cyclase 2C deficiency. Identifiers: Orphanet 314376, MedGen C4518781, MONDO:0013843, OMIM 614665.

Submissions (6):

Labcorp Genetics (formerly Invitae), Labcorp
Classification: Benign. Last evaluated: 2026-02-04. Review status: criteria provided, single submitter. Criteria: Invitae Variant Classification Sherloc (09022015). Collection method: clinical testing. Allele origin: germline.

Mayo Clinic Laboratories, Mayo Clinic
Classification: Benign. Last evaluated: 2022-09-06. Review status: criteria provided, single submitter. Criteria: ACMG Guidelines, 2015. Collection method: clinical testing. Allele origin: germline. Observed: 76 variant alleles.

Genome-Nilou Lab
Classification: Benign for Congenital diarrhea 6. Last evaluated: 2021-08-10. Review status: criteria provided, single submitter. Criteria: ACMG Guidelines, 2015. Collection method: clinical testing. Allele origin: germline. Affected: no.

Genome-Nilou Lab
Classification: Benign for Intestinal obstruction in the newborn due to guanylate cyclase 2C deficiency. Last evaluated: 2021-08-10. Review status: criteria provided, single submitter. Criteria: ACMG Guidelines, 2015. Collection method: clinical testing. Allele origin: germline. Affected: no.

GeneDx
Classification: Benign. Last evaluated: 2021-06-09. Review status: criteria provided, single submitter. Criteria: GeneDx Variant Classification Process June 2021. Collection method: clinical testing. Allele origin: germline. Affected: yes.

Laboratory for Molecular Medicine, Mass General Brigham Personalized Medicine
Classification: Benign. Last evaluated: 2016-03-29. Review status: criteria provided, single submitter. Criteria: LMM Criteria. Collection method: clinical testing. Allele origin: germline.
Comment: Variant identified in a genome or exome case(s) and assessed due to predicted null impact of the variant or pathogenic assertions in the literature or databases. Disclaimer: This variant has not undergone full assessment. The following are preliminary notes: Frequency

NM_004963.4(GUCY2C):c.2158-16dup

Gene: GUCY2C (guanylate cyclase 2C; minus strand). Cytogenetic location: 12p12.3.
Variant type: Duplication.
Coding change: c.2158-16dup on transcript NM_004963.4 (MANE Select); 16 bases into the intron before coding-DNA position 2158, one base duplicated (T; older notation c.2158-16dupT).
Molecular consequence: intron variant.
Genome position (GRCh38, 1-based): chr12:14,628,745, A duplicated on the plus strand (T on the coding strand, the reverse complement: GUCY2C is on the minus strand); the first of 9 consecutive A bases (chr12:14,628,745-14,628,753); duplicating any one gives the same sequence. VCF-style (leftmost placement, unchanged base first): chr12-14628744-G-GA. GRCh37 (hg19) VCF-style: chr12-14781678-G-GA.
Other names: p.?; c.2158-8dup (NM_004963.4).
Identifiers: ClinVar variation 402915 (VCV000402915.16), dbSNP rs3217210, ClinGen allele CA6463148.